The following is an entry in ClinVar:

NM_001304438.2(TMEM132E):c.754G>A (p.Ala252Thr)

Gene: TMEM132E (transmembrane protein 132E; plus strand). Cytogenetic location: 17q12.
Variant type: single nucleotide variant.
Coding change: c.754G>A on transcript NM_001304438.2 (MANE Select); coding-DNA position 754, G replaced by A.
Protein change: p.Ala252Thr; replaces alanine 252 with threonine.
Molecular consequence: missense variant.
Genome position (GRCh38, 1-based): chr17:34,626,813, G>A. VCF-style: chr17-34626813-G-A. GRCh37 (hg19) VCF-style: chr17-32953832-G-A.
Other names: short protein forms A252T.
Identifiers: ClinVar variation 1445448 (VCV001445448.6), dbSNP rs568337068, ClinGen allele CA8496465.

ClinVar aggregate classification (germline): Uncertain significance (1 of 4 stars; one submission).

Allele frequency attached by ClinVar (database versions not stated): gnomAD 0.00046 and 0.00048; 1000 Genomes Project 0.00120; 1000 Genomes Project 30x 0.00141.
gnomAD v4.1: 115 of 1,531,786 alleles (0.0075%); highest among the groups gnomAD compares: African/African-American, 0.14%; no homozygotes.

Submission:

Labcorp Genetics (formerly Invitae), Labcorp
Classification: Uncertain significance. Last evaluated: 2024-01-30. Review status: criteria provided, single submitter. Criteria: Invitae Variant Classification Sherloc (09022015). Collection method: clinical testing. Allele origin: germline.
Comment: This sequence change replaces alanine, which is neutral and non-polar, with threonine, which is neutral and polar, at codon 252 of the TMEM132E protein (p.Ala252Thr). The frequency data for this variant in the population databases is considered unreliable, as metrics indicate poor data quality at this position in the gnomAD database. This variant has not been reported in the literature in individuals affected with TMEM132E-related conditions. ClinVar contains an entry for this variant (Variation ID: 1445448). Experimental studies and prediction algorithms are not available or were not evaluated, and the functional significance of this variant is currently unknown. In summary, the available evidence is currently insufficient to determine the role of this variant in disease. Therefore, it has been classified as a Variant of Uncertain Significance.